The following is an entry in ClinVar:

ClinVar aggregate classification (germline): Uncertain significance (1 of 4 stars; one submission).

Conditions:
Alkuraya-Kucinskas syndrome. Identifiers: Orphanet 610569, MedGen C4693347, MONDO:0060631, OMIM 617822.

gnomAD v4.1: 1 of 1,613,714 alleles (0.000062%); highest among the groups gnomAD compares: Non-Finnish European, 0.000085%; no homozygotes.

Submission:

Juno Genomics, Hangzhou Juno Genomics, Inc
Classification: Uncertain significance for Alkuraya-Kucinskas syndrome. Review status: criteria provided, single submitter. Criteria: ACMG Guidelines, 2015. Collection method: clinical testing. Allele origin: germline. Affected: yes.
Comment: Absent from controls (or at extremely low frequency if recessive) in Genome Aggregation Database, Exome Sequencing Project, 1000 Genomes Project, or Exome Aggregation Consortium.;Multiple lines of computational evidence support a deleterious effect on the gene or gene product (conservation, evolutionary, splicing impact, etc).

NM_001384125.1(BLTP1):c.9505A>G (p.Thr3169Ala)

Gene: BLTP1 (bridge-like lipid transfer protein family member 1; plus strand). Cytogenetic location: 4q27.
Variant type: single nucleotide variant.
Coding change: c.9505A>G on transcript NM_001384125.1 (MANE Select); coding-DNA position 9505, A replaced by G.
Protein change: p.Thr3169Ala; replaces threonine 3169 with alanine.
Molecular consequence: missense variant.
Genome position (GRCh38, 1-based): chr4:122,304,816, A>G. VCF-style: chr4-122304816-A-G. GRCh37 (hg19) VCF-style: chr4-123225971-A-G.
Other names: c.9505A>G, p.Thr3169Ala (NM_015312.4); short protein forms T3169A.
Identifiers: ClinVar variation 3383152 (VCV003383152.2).